The following is an entry in ClinVar:

NM_001080467.3(MYO5B):c.275G>A (p.Arg92His)

Gene: MYO5B (myosin VB; minus strand). Cytogenetic location: 18q21.1.
Variant type: single nucleotide variant.
Coding change: c.275G>A on transcript NM_001080467.3 (MANE Select); coding-DNA position 275, G replaced by A.
Protein change: p.Arg92His; replaces arginine 92 with histidine.
Molecular consequence: missense variant.
Genome position (GRCh38, 1-based): chr18:50,040,178, C>T on the plus strand (G>A on the coding strand, the complement: MYO5B is on the minus strand). VCF-style: chr18-50040178-C-T. GRCh37 (hg19) VCF-style: chr18-47566548-C-T.
Other names: short protein forms R92H.
Identifiers: ClinVar variation 327088 (VCV000327088.6), dbSNP rs202205346, ClinGen allele CA8961934.

ClinVar aggregate classification (germline): Uncertain significance. Review status: criteria provided, multiple submitters, no conflicts (2 of 4 stars). 2 submissions from 2 submitters: Uncertain significance (2). Last evaluated 2025-11-04.

Conditions:
Congenital microvillous atrophy (DIAR2). Also called: Microvillus inclusion disease; MICROVILLUS ATROPHY, CONGENITAL; CONGENITAL FAMILIAL PROTRACTED DIARRHEA WITH ENTEROCYTE BRUSH-BORDER ABNORMALITIES; DAVIDSON DISEASE; Diarrhea 2 with microvillus atrophy, with or without cholestasis. Identifiers: Orphanet 2290, MedGen C0341306, MONDO:0009635, OMIM 251850.
MYO5B-related disorder. Also called: MYO5B-related condition.

Allele frequency attached by ClinVar (database versions not stated): gnomAD exomes 0.00001; ExAC 0.00002; 1000 Genomes Project 0.00020.
gnomAD v4.1: 10 of 1,613,230 alleles (0.00062%); highest among the groups gnomAD compares: Non-Finnish European, 0.00076%; no homozygotes.

Submissions (2):

PreventionGenetics, part of Exact Sciences
Classification: Uncertain significance for MYO5B-related condition. Last evaluated: 2025-11-04. Review status: criteria provided, single submitter. Criteria: ACMG Guidelines, 2015. Collection method: clinical testing. Allele origin: germline.
Comment: The MYO5B c.275G>A variant is predicted to result in the amino acid substitution p.Arg92His. To our knowledge, this variant has not been reported in the literature. This variant is reported in 0.0018% of alleles in individuals of European (Non-Finnish) descent in gnomAD. At this time, the clinical significance of this variant is uncertain due to the absence of conclusive functional and genetic evidence.

Illumina Laboratory Services, Illumina
Classification: Uncertain significance for Congenital microvillous atrophy. Last evaluated: 2018-01-13. Review status: criteria provided, single submitter. Criteria: ICSL Variant Classification Criteria 13 December 2019. Collection method: clinical testing. Allele origin: germline.